The following is an entry in ClinVar:

NC_000008.10:g.(?_100123306)_(100182411_?)del

Gene: VPS13B (vacuolar protein sorting 13 homolog B; plus strand). Cytogenetic location: 8q22.2.
Variant type: Deletion.
Identifiers: ClinVar variation 1454078 (VCV001454078.5).

ClinVar aggregate classification (germline): Pathogenic (1 of 4 stars; one submission).

Conditions:
Cohen syndrome (COH1). Also called: PEPPER SYNDROME; Cutis verticis gyrata, retinitis pigmentosa, and sensorineural deafness. Identifiers: Orphanet 193, MedGen C0265223, MONDO:0008999, OMIM 216550.

Submission:

Labcorp Genetics (formerly Invitae), Labcorp
Classification: Pathogenic for Cohen syndrome. Last evaluated: 2023-09-25. Review status: criteria provided, single submitter. Criteria: Invitae Variant Classification Sherloc (09022015). Collection method: clinical testing. Allele origin: germline.
Comment: This variant is a gross deletion of the genomic region encompassing exon(s) 6-16 of the VPS13B gene. This deletion is out-of-frame, and is expected to create a premature termination codon and result in an absent or disrupted protein product. Loss-of-function variants in VPS13B are known to be pathogenic (PMID: 15141358, 16648375, 20461111). For these reasons, this variant has been classified as Pathogenic. A similar copy number variant has been observed in individual(s) with Cohen syndrome (PMID: 18655112). It has also been observed to segregate with disease in related individuals.

Literature cited by the submitters: PubMed 15141358; PubMed 16648375; PubMed 20461111; PubMed 18655112.